The following is an entry in ClinVar:

NM_032043.3(BRIP1):c.2294T>C (p.Val765Ala)

Gene: BRIP1 (BRCA1 interacting DNA helicase 1; minus strand). Cytogenetic location: 17q23.2.
Variant type: single nucleotide variant.
Coding change: c.2294T>C on transcript NM_032043.3 (MANE Select); coding-DNA position 2294, T replaced by C.
Protein change: p.Val765Ala; replaces valine 765 with alanine.
Molecular consequence: missense variant.
Genome position (GRCh38, 1-based): chr17:61,743,098, A>G on the plus strand (T>C on the coding strand, the complement: BRIP1 is on the minus strand). VCF-style: chr17-61743098-A-G. GRCh37 (hg19) VCF-style: chr17-59820459-A-G.
Other names: short protein forms V765A.
Identifiers: ClinVar variation 3756326 (VCV003756326.2).

ClinVar aggregate classification (germline): Uncertain significance (1 of 4 stars; one submission).

Conditions:
Fanconi anemia complementation group J. Also called: BRIP1-Related Fanconi Anemia. Identifiers: Orphanet 84, MedGen C1836860, MONDO:0012187, OMIM 609054.
Familial cancer of breast. Also called: BREAST CANCER, FAMILIAL; Hereditary breast cancer; hereditary breast carcinoma. Identifiers: Orphanet 227535, MedGen C0346153, MONDO:0016419, OMIM 114480. Disease mechanism: loss of function.

Submission:

Labcorp Genetics (formerly Invitae), Labcorp
Classification: Uncertain significance for Familial cancer of breast; Fanconi anemia complementation group J. Last evaluated: 2024-05-13. Review status: criteria provided, single submitter. Criteria: Invitae Variant Classification Sherloc (09022015). Collection method: clinical testing. Allele origin: germline.
Comment: This sequence change replaces valine, which is neutral and non-polar, with alanine, which is neutral and non-polar, at codon 765 of the BRIP1 protein (p.Val765Ala). This variant is not present in population databases (gnomAD no frequency). This variant has not been reported in the literature in individuals affected with BRIP1-related conditions. Advanced modeling of protein sequence and biophysical properties (such as structural, functional, and spatial information, amino acid conservation, physicochemical variation, residue mobility, and thermodynamic stability) performed at Invitae indicates that this missense variant is expected to disrupt BRIP1 protein function with a positive predictive value of 80%. In summary, the available evidence is currently insufficient to determine the role of this variant in disease. Therefore, it has been classified as a Variant of Uncertain Significance.